The following is an entry in ClinVar:

ClinVar aggregate classification (germline): Pathogenic (1 of 4 stars; one submission).

Allele frequency attached by ClinVar (database versions not stated): gnomAD exomes below 0.00001.
gnomAD v4.1: 1 of 1,613,020 alleles (0.000062%); highest among the groups gnomAD compares: Non-Finnish European, 0.000085%; no homozygotes.

Submission:

Labcorp Genetics (formerly Invitae), Labcorp
Classification: Pathogenic. Last evaluated: 2025-06-17. Review status: criteria provided, single submitter. Criteria: Invitae Variant Classification Sherloc (09022015). Collection method: clinical testing. Allele origin: germline.
Comment: This sequence change creates a premature translational stop signal (p.Gln886*) in the SKIV2L gene. It is expected to result in an absent or disrupted protein product. Loss-of-function variants in SKIV2L are known to be pathogenic (PMID: 22444670). This variant is not present in population databases (gnomAD no frequency). This variant has not been reported in the literature in individuals affected with SKIV2L-related conditions. ClinVar contains an entry for this variant (Variation ID: 2980006). For these reasons, this variant has been classified as Pathogenic.

Literature cited by the submitters: PubMed 22444670.

NM_006929.5(SKIC2):c.2656C>T (p.Gln886Ter)

Gene: SKIC2 (SKI2 subunit of superkiller complex; plus strand). Cytogenetic location: 6p21.33.
Variant type: single nucleotide variant.
Coding change: c.2656C>T on transcript NM_006929.5 (MANE Select); coding-DNA position 2656, C replaced by T.
Protein change: p.Gln886Ter; replaces glutamine 886 with a stop codon.
Molecular consequence: nonsense.
Genome position (GRCh38, 1-based): chr6:31,967,787, C>T. VCF-style: chr6-31967787-C-T. GRCh37 (hg19) VCF-style: chr6-31935564-C-T.
Other names: short protein forms Q886*.
Identifiers: ClinVar variation 2980006 (VCV002980006.3), dbSNP rs2482987424, ClinGen allele CA363476840.
Genomic context (GRCh38, chr6:31,967,787, plus strand): 5'-TCCACCAGCAGAGTATTCACAACCCTGGTCTTGTGTGATAAGCCCTTGTCCCAGGACCCA[C>T]AGGACAGGGGGCCAGCCACTGCAGAGGTGCCCTATCCAGATGACCTCGTGGGATTCAAGC-3'